The following is an entry in ClinVar:

ClinVar aggregate classification (germline): Uncertain significance (1 of 4 stars; one submission).

Conditions:
Immunodeficiency 36 with lymphoproliferation. Also called: ACTIVATED PI3K-DELTA SYNDROME 2; Immunodeficiency 36; Activated PI3K Delta Syndrome Type 2 (APDS2). Identifiers: Orphanet 397596, Orphanet 693681, MedGen C4014934, MONDO:0014453, OMIM 616005.
SHORT syndrome. Also called: LIPODYSTROPHY, PARTIAL, WITH RIEGER ANOMALY AND SHORT STATURE; PIK3R1-Related SHORT Syndrome; SHORT STATURE, HYPEREXTENSIBILITY, HERNIA, OCULAR DEPRESSION, RIEGER ANOMALY, AND TEETHING DELAY. Identifiers: Orphanet 3163, MedGen C0878684, MONDO:0010026, OMIM 269880.
Agammaglobulinemia 7, autosomal recessive (AGM7). Also called: AGAMMAGLOBULINEMIA, AUTOSOMAL RECESSIVE, DUE TO PIK3R1 DEFECT. Identifiers: MedGen C3554689, MONDO:0014083, OMIM 615214.

Submission:

Labcorp Genetics (formerly Invitae), Labcorp
Classification: Uncertain significance for SHORT syndrome; Immunodeficiency 36 with lymphoproliferation; Agammaglobulinemia 7, autosomal recessive. Last evaluated: 2022-08-31. Review status: criteria provided, single submitter. Criteria: Invitae Variant Classification Sherloc (09022015). Collection method: clinical testing. Allele origin: germline.
Comment: This variant has not been reported in the literature in individuals affected with PIK3R1-related conditions. In summary, the available evidence is currently insufficient to determine the role of this variant in disease. Therefore, it has been classified as a Variant of Uncertain Significance. Variants that disrupt the consensus splice site are a relatively common cause of aberrant splicing (PMID: 17576681, 9536098). Algorithms developed to predict the effect of sequence changes on RNA splicing suggest that this variant may disrupt the consensus splice site. ClinVar contains an entry for this variant (Variation ID: 1428169). This variant is not present in population databases (gnomAD no frequency). This sequence change falls in intron 4 of the PIK3R1 gene. It does not directly change the encoded amino acid sequence of the PIK3R1 protein. It affects a nucleotide within the consensus splice site.

Literature cited by the submitters: PubMed 17576681; PubMed 9536098.

NM_181523.3(PIK3R1):c.502+6T>C

Gene: PIK3R1 (phosphoinositide-3-kinase regulatory subunit 1; plus strand). Cytogenetic location: 5q13.1.
Variant type: single nucleotide variant.
Coding change: c.502+6T>C on transcript NM_181523.3 (MANE Select); 6 bases into the intron after coding-DNA position 502, T replaced by C.
Molecular consequence: intron variant.
Genome position (GRCh38, 1-based): chr5:68,274,019, T>C. VCF-style: chr5-68274019-T-C. GRCh37 (hg19) VCF-style: chr5-67569847-T-C.
Identifiers: ClinVar variation 1428169 (VCV001428169.6), dbSNP rs2112167267, ClinGen allele CA2573139815.